The following is an entry in ClinVar:

NM_058238.3(WNT7B):c.324C>G (p.Tyr108Ter)

Gene: WNT7B (Wnt family member 7B; minus strand). Cytogenetic location: 22q13.31.
Variant type: single nucleotide variant.
Coding change: c.324C>G on transcript NM_058238.3 (MANE Select); coding-DNA position 324, C replaced by G.
Protein change: p.Tyr108Ter; replaces tyrosine 108 with a stop codon.
Molecular consequence: nonsense.
Genome position (GRCh38, 1-based): chr22:45,931,344, G>C on the plus strand (C>G on the coding strand, the complement: WNT7B is on the minus strand). VCF-style: chr22-45931344-G-C. GRCh37 (hg19) VCF-style: chr22-46327224-G-C.
Other names: c.336C>G, p.Tyr112Ter (NM_001410806.1); short protein forms Y108*, Y112*.
Identifiers: ClinVar variation 4686622 (VCV004686622.1).

ClinVar aggregate classification (germline): Pathogenic (1 of 4 stars; one submission).

Conditions:
Microphthalmia, syndromic 9. Also called: ANOPHTHALMIA, CLINICAL, WITH MILD FACIAL DYSMORPHISM AND VARIABLE MALFORMATIONS OF THE LUNG, HEART, AND DIAPHRAGM; ANOPHTHALMIA/MICROPHTHALMIA AND PULMONARY HYPOPLASIA; PULMONARY AGENESIS, MICROPHTHALMIA, AND DIAPHRAGMATIC DEFECT; SPEAR SYNDROME; Matthew-Wood syndrome. Identifiers: Orphanet 2470, MedGen C1832661, MONDO:0011010, OMIM 601186.

gnomAD v4.1: 1 of 1,592,984 alleles (0.000063%); highest among the groups gnomAD compares: Non-Finnish European, 0.000085%; no homozygotes.

Submission:

Department of Fetal Medicine and Prenatal Diagnosis, Obstetrics and Gynecology Center, Southern Medical University
Classification: Pathogenic for Microphthalmia, syndromic 9. Review status: criteria provided, single submitter. Criteria: Uk Practice Guidelines For Variant Classification V12 2024. Collection method: clinical testing. Allele origin: paternal. Inheritance: Autosomal recessive inheritance. Affected: yes. Observed: 1 compound heterozygote.
Comment: PM2_Supporting: this variant is absent from gnomAD, 1000 Genomes Project, dbSNP, and ESP6500 databases. PVS1: this variant caused a premature stop codon within the exon 2 of WNT7B. Functional analysis showed that it resulted in mRNA degradation by triggering a NMD process. PS3_Supporting: Functional analysis showed that it impaired the canonical WNT-β-Catenin signaling.

Literature cited by the submitters: DOI 10.1016/j.gene.2026.150012.